The following is an entry in ClinVar:

NM_173354.5(SIK1):c.1168T>C (p.Cys390Arg)

Gene: SIK1 (salt inducible kinase 1; minus strand). Cytogenetic location: 21q22.3.
Variant type: single nucleotide variant.
Coding change: c.1168T>C on transcript NM_173354.5 (MANE Select); coding-DNA position 1168, T replaced by C.
Protein change: p.Cys390Arg; replaces cysteine 390 with arginine.
Molecular consequence: missense variant.
Genome position (GRCh38, 1-based): chr21:43,419,430, A>G on the plus strand (T>C on the coding strand, the complement: SIK1 is on the minus strand). VCF-style: chr21-43419430-A-G. GRCh37 (hg19) VCF-style: chr21-44839310-A-G.
Other names: short protein forms C390R.
Identifiers: ClinVar variation 1420634 (VCV001420634.8), dbSNP rs756613890, ClinGen allele CA321326146.

ClinVar aggregate classification (germline): Uncertain significance (1 of 4 stars; one submission).

Conditions:
Developmental and epileptic encephalopathy, 30 (DEE30). Also called: Epileptic encephalopathy, early infantile, 30. Identifiers: MedGen C4225360, MONDO:0014595, OMIM 616341.

Allele frequency attached by ClinVar (database versions not stated): gnomAD exomes 0.00002; ExAC 0.00004.

Submission:

Labcorp Genetics (formerly Invitae), Labcorp
Classification: Uncertain significance for Developmental and epileptic encephalopathy, 30. Last evaluated: 2024-02-23. Review status: criteria provided, single submitter. Criteria: Invitae Variant Classification Sherloc (09022015). Collection method: clinical testing. Allele origin: germline.
Comment: This sequence change replaces cysteine, which is neutral and slightly polar, with arginine, which is basic and polar, at codon 390 of the SIK1 protein (p.Cys390Arg). This variant is present in population databases (rs756613890, gnomAD 0.01%). This variant has not been reported in the literature in individuals affected with SIK1-related conditions. ClinVar contains an entry for this variant (Variation ID: 1420634). Advanced modeling of protein sequence and biophysical properties (such as structural, functional, and spatial information, amino acid conservation, physicochemical variation, residue mobility, and thermodynamic stability) performed at Invitae indicates that this missense variant is not expected to disrupt SIK1 protein function with a negative predictive value of 95%. In summary, the available evidence is currently insufficient to determine the role of this variant in disease. Therefore, it has been classified as a Variant of Uncertain Significance.